The following is an entry in ClinVar:

NM_057175.5(NAA15):c.908-1G>C

Gene: NAA15 (N-alpha-acetyltransferase 15, NatA auxiliary subunit; plus strand). Cytogenetic location: 4q31.1.
Variant type: single nucleotide variant.
Coding change: c.908-1G>C on transcript NM_057175.5 (MANE Select); the canonical splice acceptor site of the intron before coding-DNA position 908, G replaced by C.
Molecular consequence: splice acceptor variant.
Genome position (GRCh38, 1-based): chr4:139,351,504, G>C. VCF-style: chr4-139351504-G-C. GRCh37 (hg19) VCF-style: chr4-140272658-G-C.
Other names: c.908-1G>C (NM_001410842.1).
Identifiers: ClinVar variation 4851815 (VCV004851815.1).

ClinVar aggregate classification (germline): Pathogenic (1 of 4 stars; one submission).

Submission:

Dasa
Classification: Pathogenic. Last evaluated: 2025-09-10. Review status: criteria provided, single submitter. Criteria: DASA Assertion Criteria. Collection method: clinical testing. Allele origin: germline.
Comment: NM_057175.5(NAA15):c.908-1G>C introduces a premature termination codon predicted to result in loss of normal protein function. Loss-of-function is an established mechanism of disease for this gene. This variant results in the same amino acid change as a previously established pathogenic variant. The variant is present at low frequency in population datasets. Based on the available data, this variant is classified as pathogenic.